The following is an entry in ClinVar:

NM_001244008.2(KIF1A):c.4624del (p.Leu1542fs)

Gene: KIF1A (kinesin family member 1A; minus strand). Cytogenetic location: 2q37.3.
Variant type: Deletion.
Coding change: c.4624del on transcript NM_001244008.2 (MANE Select); coding-DNA position 4624, one base deleted (C; older notation c.4624delC).
Protein change: p.Leu1542fs; shifts the reading frame from leucine 1542.
Molecular consequence: frameshift variant.
Genome position (GRCh38, 1-based): chr2:240,722,497, G deleted on the plus strand (C on the coding strand, the reverse complement: KIF1A is on the minus strand); the first of 4 consecutive G bases (chr2:240,722,497-240,722,500); deleting any one gives the same sequence. VCF-style (leftmost placement, unchanged base first): chr2-240722496-AG-A. GRCh37 (hg19) VCF-style: chr2-241661913-AG-A.
Other names: c.4348del, p.Leu1450fs (NM_001320705.2, NM_001379649.1); c.4375del, p.Leu1459fs (NM_001330289.2); c.4423del, p.Leu1475fs (NM_001330290.2, NM_001379648.1); c.4699del, p.Leu1567fs (NM_001379631.1); c.4600del, p.Leu1534fs (NM_001379632.1); c.4597del, p.Leu1533fs (NM_001379633.1, NM_001379645.1); c.4450del, p.Leu1484fs (NM_001379634.1); c.4447del, p.Leu1483fs (NM_001379635.1, NM_001379646.1); and 7 more; short protein forms L1449fs, L1479fs, L1567fs, L1441fs, L1450fs, L1440fs, L1466fs, L1484fs.
Identifiers: ClinVar variation 1459290 (VCV001459290.6), dbSNP rs2125597503, ClinGen allele CA2573135656.

ClinVar aggregate classification (germline): Pathogenic (1 of 4 stars; one submission).

Conditions:
Hereditary spastic paraplegia 30. Identifiers: Orphanet 101010, MedGen C5235139, MONDO:0012476.
Neuropathy, hereditary sensory, type 2C. Also called: KIF1A-Related HSAN2 (HSAN2C); Hereditary sensory and autonomic neuropathy type IIC. Identifiers: Orphanet 970, MedGen C3280168, MONDO:0013634, OMIM 614213.
Intellectual disability, autosomal dominant 9 (NESCAVS). Also called: KIF1A-Related Neurodevelopmental Disorder; NESCAV SYNDROME. Identifiers: Orphanet 662367, MedGen C5393830, MONDO:0013656, OMIM 614255.

Submission:

Labcorp Genetics (formerly Invitae), Labcorp
Classification: Pathogenic for Hereditary spastic paraplegia 30; Neuropathy, hereditary sensory, type 2C; Intellectual disability, autosomal dominant 9. Last evaluated: 2024-03-07. Review status: criteria provided, single submitter. Criteria: Invitae Variant Classification Sherloc (09022015). Collection method: clinical testing. Allele origin: germline.
Comment: This sequence change creates a premature translational stop signal (p.Leu1441Trpfs*57) in the KIF1A gene. It is expected to result in an absent or disrupted protein product. Loss-of-function variants in KIF1A are known to be pathogenic (PMID: 21820098). This variant is not present in population databases (gnomAD no frequency). This variant has not been reported in the literature in individuals affected with KIF1A-related conditions. ClinVar contains an entry for this variant (Variation ID: 1459290). For these reasons, this variant has been classified as Pathogenic.

Literature cited by the submitters: PubMed 21820098.